The following is an entry in ClinVar:

ClinVar aggregate classification (germline): Pathogenic (1 of 4 stars; one submission).

Conditions:
Cardiovascular phenotype. Identifiers: MedGen CN230736.
Hereditary cancer-predisposing syndrome. Also called: Tumor predisposition; Neoplastic Syndromes, Hereditary; Hereditary Cancer Syndrome; Hereditary neoplastic syndrome. Identifiers: Orphanet 140162, MedGen C0027672, MeSH D009386, MONDO:0015356.

Submission:

Ambry Genetics
Classification: Pathogenic for Cardiovascular phenotype; Hereditary cancer-predisposing syndrome. Last evaluated: 2025-01-28. Review status: criteria provided, single submitter. Criteria: Ambry Variant Classification Scheme 2023. Collection method: clinical testing. Allele origin: germline.
Comment: The c.1840_1841dupAA pathogenic mutation, located in coding exon 16 of the NF1 gene, results from a duplication of AA at nucleotide position 1840, causing a translational frameshift with a predicted alternate stop codon (p.N614Kfs*18). This variant was reported in individual(s) with features consistent with neurofibromatosis type 1 (NF1) (Ambry internal data). This variant is considered to be rare based on population cohorts in the Genome Aggregation Database (gnomAD). This alteration is expected to result in loss of function by premature protein truncation or nonsense-mediated mRNA decay. As such, this alteration is interpreted as a disease-causing mutation.

NM_001042492.3(NF1):c.1840_1841dup (p.Asn614fs)

Gene: NF1 (neurofibromin 1; plus strand). Cytogenetic location: 17q11.2.
Variant type: Duplication.
Coding change: c.1840_1841dup on transcript NM_001042492.3 (MANE Select); coding-DNA positions 1840 to 1841, 2 bases duplicated (AA; older notation c.1840_1841dupAA).
Protein change: p.Asn614fs; shifts the reading frame from asparagine 614.
Molecular consequence: frameshift variant.
Genome position (GRCh38, 1-based): chr17:31,223,562-31,223,563, AA duplicated; duplicating any 2 consecutive bases within chr17:31,223,559-31,223,563 gives the same sequence; the c. name uses the placement nearest the transcript's 3' end. VCF-style (leftmost placement, unchanged base first): chr17-31223558-T-TAA. GRCh37 (hg19) VCF-style: chr17-29550576-T-TAA.
Other names: c.1840_1841dup, p.Asn614Lysfs (NM_000267.4); c.1840_1841dupAA (NM_000267.3); short protein forms N614fs.
Identifiers: ClinVar variation 3879058 (VCV003879058.1).